The following is an entry in ClinVar:

ClinVar aggregate classification (germline): Pathogenic. Review status: criteria provided, multiple submitters, no conflicts (2 of 4 stars). 2 submissions from 2 submitters: Pathogenic (2). Last evaluated 2026-03-11.

Conditions:
Hyperammonemia, type III (NAGSD). Also called: Hyperammonemia due to N-acetylglutamate synthase deficiency. Identifiers: Orphanet 927, MedGen C0268543, MONDO:0009377, OMIM 237310.

Submissions (2):

Women's Health and Genetics/Laboratory Corporation of America, LabCorp
Classification: Pathogenic for Hyperammonemia, type III. Last evaluated: 2026-03-11. Review status: criteria provided, single submitter. Criteria: LabCorp Variant Classification Summary - May 2015. Collection method: clinical testing. Allele origin: germline.
Comment: Variant summary: NAGS c.1313dupG (p.Thr439HisfsX52) results in a premature termination codon, predicted to cause a truncation of the encoded protein, which is a commonly known mechanism for disease. The variant allele was found at a frequency of 1.2e-06 in 1605814 control chromosomes. c.1313dupG has been observed in multiple individuals affected with Hyperammonemia, type III (Peoc'h_2020, Sancho-Vaello_2016). These data indicate that the variant is very likely to be associated with disease. The following publications have been ascertained in the context of this evaluation (PMID: 32021803, 27037498). ClinVar contains an entry for this variant (Variation ID: 1385518). Based on the evidence outlined above, the variant was classified as pathogenic.

Labcorp Genetics (formerly Invitae), Labcorp
Classification: Pathogenic for Hyperammonemia, type III. Last evaluated: 2022-09-30. Review status: criteria provided, single submitter. Criteria: Invitae Variant Classification Sherloc (09022015). Collection method: clinical testing. Allele origin: germline.
Comment: This variant disrupts a region of the NAGS protein in which other variant(s) (p.Arg509Gln) have been determined to be pathogenic (PMID: 15050968, 15714518). This suggests that this is a clinically significant region of the protein, and that variants that disrupt it are likely to be disease-causing. For these reasons, this variant has been classified as Pathogenic. ClinVar contains an entry for this variant (Variation ID: 1385518). This premature translational stop signal has been observed in individuals with clinical features of N-acetylglutamate synthase deficiency (PMID: 27037498, 32021803). The frequency data for this variant in the population databases is considered unreliable, as metrics indicate poor data quality at this position in the gnomAD database. This sequence change creates a premature translational stop signal (p.Thr439Hisfs*52) in the NAGS gene. While this is not anticipated to result in nonsense mediated decay, it is expected to disrupt the last 96 amino acid(s) of the NAGS protein.

Literature cited by the submitters: PubMed 27037498 (cited by Women's Health and Genetics/Laboratory Corporation of America, LabCorp and Labcorp Genetics (formerly Invitae), Labcorp); PubMed 32021803 (cited by Women's Health and Genetics/Laboratory Corporation of America, LabCorp and Labcorp Genetics (formerly Invitae), Labcorp); PubMed 15050968 (cited by Labcorp Genetics (formerly Invitae), Labcorp); PubMed 15714518 (cited by Labcorp Genetics (formerly Invitae), Labcorp).

NM_153006.3(NAGS):c.1313dup (p.Thr439fs)

Gene: NAGS (N-acetylglutamate synthase; plus strand). Cytogenetic location: 17q21.31.
Variant type: Duplication.
Coding change: c.1313dup on transcript NM_153006.3 (MANE Select); coding-DNA position 1313, one base duplicated (G; older notation c.1313dupG).
Protein change: p.Thr439fs; shifts the reading frame from threonine 439.
Molecular consequence: frameshift variant.
Genome position (GRCh38, 1-based): chr17:44,007,635, G duplicated; the last of 6 consecutive G bases (chr17:44,007,630-44,007,635); duplicating any one gives the same sequence. VCF-style (leftmost placement, unchanged base first): chr17-44007629-T-TG. GRCh37 (hg19) VCF-style: chr17-42084997-T-TG.
Other names: c.1313dupG (NM_153006.3); short protein forms T439fs.
Identifiers: ClinVar variation 1385518 (VCV001385518.8), dbSNP rs1597866458, ClinGen allele CA626222551.